The following is an entry in ClinVar:

ClinVar aggregate classification (germline): Uncertain significance (1 of 4 stars; one submission).

Conditions:
Febrile seizures, familial, 8 (FEB8). Also called: CONVULSIONS, FAMILIAL FEBRILE, 8. Identifiers: Orphanet 36387, MedGen C1969810, MONDO:0011891, OMIM 607681.
EPILEPSY, CHILDHOOD ABSENCE, SUSCEPTIBILITY TO, 2 (ECA2). Identifiers: Orphanet 64280, MedGen C1843244, OMIM 607681.

gnomAD v4.1: 1 of 1,608,852 alleles (0.000062%); no homozygotes.

Submission:

Labcorp Genetics (formerly Invitae), Labcorp
Classification: Uncertain significance for Febrile seizures, familial, 8; EPILEPSY, CHILDHOOD ABSENCE, SUSCEPTIBILITY TO, 2. Last evaluated: 2024-08-29. Review status: criteria provided, single submitter. Criteria: Invitae Variant Classification Sherloc (09022015). Collection method: clinical testing. Allele origin: germline.
Comment: This sequence change replaces serine, which is neutral and polar, with proline, which is neutral and non-polar, at codon 3 of the GABRG2 protein (p.Ser3Pro). This variant is present in population databases (rs769362559, gnomAD no frequency). This variant has not been reported in the literature in individuals affected with GABRG2-related conditions. Invitae Evidence Modeling of protein sequence and biophysical properties (such as structural, functional, and spatial information, amino acid conservation, physicochemical variation, residue mobility, and thermodynamic stability) indicates that this missense variant is not expected to disrupt GABRG2 protein function with a negative predictive value of 95%. In summary, the available evidence is currently insufficient to determine the role of this variant in disease. Therefore, it has been classified as a Variant of Uncertain Significance.

NM_198904.4(GABRG2):c.7T>C (p.Ser3Pro)

Gene: GABRG2 (gamma-aminobutyric acid type A receptor subunit gamma2; plus strand). Cytogenetic location: 5q34.
Variant type: single nucleotide variant.
Coding change: c.7T>C on transcript NM_198904.4 (MANE Select); coding-DNA position 7, T replaced by C.
Protein change: p.Ser3Pro; replaces serine 3 with proline.
Molecular consequence: missense variant. On other transcripts: 5 prime UTR variant (3), intron variant (3).
Genome position (GRCh38, 1-based): chr5:162,068,006, T>C. VCF-style: chr5-162068006-T-C. GRCh37 (hg19) VCF-style: chr5-161495012-T-C.
Other names: c.7T>C, p.Ser3Pro (NM_000816.3, NM_001375339.1, NM_001375340.1 and 5 more transcripts); c.-352T>C (NM_001375348.1, NM_001375350.1); c.-400T>C (NM_001375349.1); c.-3-57T>C (NM_001375346.1, NM_001375345.1); c.20+365T>C (NM_001375347.1); short protein forms S3P.
Identifiers: ClinVar variation 3753876 (VCV003753876.2).